The following is an entry in ClinVar:

ClinVar aggregate classification (germline): Uncertain significance (1 of 4 stars; one submission).

Submission:

GeneDx
Classification: Uncertain significance. Last evaluated: 2016-11-18. Review status: criteria provided, single submitter. Criteria: GeneDx Variant Classification (06012015). Collection method: clinical testing. Allele origin: germline. Affected: yes.
Comment: A variant of uncertain significance has been identified in the GATAD1 gene. The c.233delG variant has not been published as a pathogenic variant, nor has it been reported as a benign variant to our knowledge. This variant causes a shift in reading frame starting at codon Glycine 78, changing it to an Alanine, and creating a premature stop codon at position 46 of the new reading frame, denoted p.Gly78AlafsX46. This variant is expected to result in either an abnormal, truncated protein product or loss of protein from this allele through nonsense-mediated mRNA decay. However, no other frameshift variants in the GATAD1 gene have been reported in HGMD in association with DCM (Stenson et al., 2014). Finally, data from control individuals was not available to assess whether c.233delG may be a common benign variant in the general population.Therefore, based on the currently available information, it is unclear whether this variant is pathogenic or rare benign.

NM_021167.5(GATAD1):c.233del (p.Gly78fs)

Genes: GATAD1 (GATA zinc finger domain containing 1; plus strand), LOC129998793 (ATAC-STARR-seq lymphoblastoid silent region 18371; plus strand). Cytogenetic location: 7q21.2.
Variant type: Deletion.
Coding change: c.233del on transcript NM_021167.5 (MANE Select); coding-DNA position 233, one base deleted (G; older notation c.233delG).
Protein change: p.Gly78fs; shifts the reading frame from glycine 78.
Molecular consequence: frameshift variant. On other transcripts: non-coding transcript variant (1).
Genome position (GRCh38, 1-based): chr7:92,447,962, G deleted; the last of 5 consecutive G bases (chr7:92,447,958-92,447,962); deleting any one gives the same sequence. VCF-style (leftmost placement, unchanged base first): chr7-92447957-CG-C. GRCh37 (hg19) VCF-style: chr7-92077271-CG-C.
Other names: short protein forms G78fs.
Identifiers: ClinVar variation 373266 (VCV000373266.1), dbSNP rs1057518314, ClinGen allele CA16042599.
Genomic context (GRCh38, chr7:92,447,957, plus strand): 5'-CGGCGGCGGCTTCGGCGCGGCGACCTTCGCCAGCACCTCCGCCACCCCTCCGCAGAGCAA[CG>C]GGGGCGGGGGCGGCAAGCAGGTGAGCTCCTCCGGCCCCTCCCGCCGGCGGAGGCCGACCA-3'